The following is an entry in ClinVar:

NM_007317.3(KIF22):c.710C>A (p.Thr237Asn)

Gene: KIF22 (kinesin family member 22; plus strand). Cytogenetic location: 16p11.2.
Variant type: single nucleotide variant.
Coding change: c.710C>A on transcript NM_007317.3 (MANE Select); coding-DNA position 710, C replaced by A.
Protein change: p.Thr237Asn; replaces threonine 237 with asparagine.
Molecular consequence: missense variant.
Genome position (GRCh38, 1-based): chr16:29,799,135, C>A. VCF-style: chr16-29799135-C-A. GRCh37 (hg19) VCF-style: chr16-29810456-C-A.
Other names: c.506C>A, p.Thr169Asn (NM_001256269.2, NM_001256270.1); short protein forms T169N, T237N.
Identifiers: ClinVar variation 2891146 (VCV002891146.3), dbSNP rs776071468, ClinGen allele CA7993061.

ClinVar aggregate classification (germline): Uncertain significance (1 of 4 stars; one submission).

Allele frequency attached by ClinVar (database versions not stated): gnomAD exomes 0.00001; ExAC 0.00003.
gnomAD v4.1: 8 of 1,613,960 alleles (0.0005%); highest among the groups gnomAD compares: Non-Finnish European, 0.00059%; no homozygotes.

Submission:

Labcorp Genetics (formerly Invitae), Labcorp
Classification: Uncertain significance. Last evaluated: 2023-02-09. Review status: criteria provided, single submitter. Criteria: Invitae Variant Classification Sherloc (09022015). Collection method: clinical testing. Allele origin: germline.
Comment: This sequence change replaces threonine, which is neutral and polar, with asparagine, which is neutral and polar, at codon 237 of the KIF22 protein (p.Thr237Asn). This variant is present in population databases (rs776071468, gnomAD 0.003%). This variant has not been reported in the literature in individuals affected with KIF22-related conditions. Advanced modeling of protein sequence and biophysical properties (such as structural, functional, and spatial information, amino acid conservation, physicochemical variation, residue mobility, and thermodynamic stability) performed at Invitae indicates that this missense variant is expected to disrupt KIF22 protein function. In summary, the available evidence is currently insufficient to determine the role of this variant in disease. Therefore, it has been classified as a Variant of Uncertain Significance.